The following is an entry in ClinVar:

NM_001289104.2(PRKCSH):c.1393G>A (p.Asp465Asn)

Gene: PRKCSH (PRKCSH beta subunit of glucosidase II; plus strand). Cytogenetic location: 19p13.2.
Variant type: single nucleotide variant.
Coding change: c.1393G>A on transcript NM_001289104.2 (MANE Select); coding-DNA position 1393, G replaced by A.
Protein change: p.Asp465Asn; replaces aspartic acid 465 with asparagine.
Molecular consequence: missense variant.
Genome position (GRCh38, 1-based): chr19:11,449,107, G>A. VCF-style: chr19-11449107-G-A. GRCh37 (hg19) VCF-style: chr19-11559922-G-A.
Other names: c.1363G>A, p.Asp455Asn (NM_001001329.3, NM_001289102.2, NM_001379609.1); c.1393G>A, p.Asp465Asn (NM_001289103.2); c.1372G>A, p.Asp458Asn (NM_001379608.1, NM_002743.3); short protein forms D455N, D458N, D465N.
Identifiers: ClinVar variation 2177503 (VCV002177503.12), dbSNP rs201507518, ClinGen allele CA9213316.

ClinVar aggregate classification (germline): Conflicting classifications of pathogenicity. Review status: criteria provided, conflicting classifications (1 of 4 stars). 2 submissions from 2 submitters: Uncertain significance (1); Likely benign (1). Last evaluated 2025-12-27.

Allele frequency attached by ClinVar (database versions not stated): gnomAD 0.00005; TOPMed 0.00006; ExAC 0.00007; ESP Exome Variant Server 0.00008; gnomAD exomes 0.00013.
gnomAD v4.1: 197 of 1,613,554 alleles (0.012%); highest among the groups gnomAD compares: Non-Finnish European, 0.016%; no homozygotes.

Submissions (2):

Labcorp Genetics (formerly Invitae), Labcorp
Classification: Uncertain significance. Last evaluated: 2025-12-27. Review status: criteria provided, single submitter. Criteria: Invitae Variant Classification Sherloc (09022015). Collection method: clinical testing. Allele origin: germline.
Comment: This sequence change replaces aspartic acid, which is acidic and polar, with asparagine, which is neutral and polar, at codon 458 of the PRKCSH protein (p.Asp458Asn). This variant is present in population databases (rs201507518, gnomAD 0.008%). This variant has not been reported in the literature in individuals affected with PRKCSH-related conditions. ClinVar contains an entry for this variant (Variation ID: 2177503). An algorithm developed to predict the effect of missense changes on protein structure and function (PolyPhen-2) suggests that this variant is likely to be disruptive. In summary, the available evidence is currently insufficient to determine the role of this variant in disease. Therefore, it has been classified as a Variant of Uncertain Significance.

CeGaT Center for Human Genetics Tuebingen
Classification: Likely benign. Last evaluated: 2025-08-01. Review status: criteria provided, single submitter. Criteria: CeGaT Center For Human Genetics Tuebingen Variant Classification Criteria Version 2. Collection method: clinical testing. Allele origin: germline. Affected: yes. Observed: 1 variant allele.
Comment: PRKCSH: BP4